The following is an entry in ClinVar:

ClinVar aggregate classification (germline): Pathogenic (1 of 4 stars; one submission).

Conditions:
Hyperinsulinemic hypoglycemia, familial, 2. Also called: HYPERINSULINEMIC HYPOGLYCEMIA, PERSISTENT; HYPERINSULINISM, NEONATAL. Identifiers: Orphanet 276580, Orphanet 276603, MedGen C2931833, MONDO:0011153, OMIM 601820. Disease mechanism: loss of function.

Submission:

Myriad Genetics, Inc.
Classification: Pathogenic for Hyperinsulinemic hypoglycemia, familial, 2. Last evaluated: 2026-06-28. Review status: criteria provided, single submitter. Criteria: Myriad Autosomal Dominant, Autosomal Recessive and X-Linked Classification Criteria (2023). Collection method: clinical testing. Allele origin: unknown.
Comment: NM_000525.3(KCNJ11):c.867_868dupCG(V290Afs*31) is a frameshift variant classified as pathogenic in the context of familial hyperinsulinism, KCNJ11-related. V290Afs*31 has not been observed in cases with relevant disease. Relevant functional assessments of this variant are not available in the literature. V290Afs*31 has not been observed in referenced population frequency databases. In summary, NM_000525.3(KCNJ11):c.867_868dupCG(V290Afs*31) is a frameshift variant in a gene where loss of function is a known mechanism of disease and is predicted to disrupt protein function. Please note: this variant was assessed in the context of healthy population screening.

NM_000525.4(KCNJ11):c.867_868dup (p.Val290fs)

Gene: KCNJ11 (potassium inwardly rectifying channel subfamily J member 11; minus strand). Cytogenetic location: 11p15.1.
Variant type: Duplication.
Coding change: c.867_868dup on transcript NM_000525.4 (MANE Select); coding-DNA positions 867 to 868, 2 bases duplicated (CG; older notation c.867_868dupCG).
Protein change: p.Val290fs; shifts the reading frame from valine 290.
Molecular consequence: frameshift variant.
Genome position (GRCh38, 1-based): chr11:17,387,224-17,387,225, CG duplicated on the plus strand (CG on the coding strand, the reverse complement: KCNJ11 is on the minus strand); duplicating any 2 consecutive bases within chr11:17,387,224-17,387,226 gives the same sequence; the c. name uses the placement nearest the transcript's 3' end. VCF-style (leftmost placement, unchanged base first): chr11-17387223-A-ACG. GRCh37 (hg19) VCF-style: chr11-17408770-A-ACG.
Other names: c.606_607dup, p.Val203fs (NM_001166290.2, NM_001377296.1, NM_001377297.1); short protein forms V203fs, V290fs.
Identifiers: ClinVar variation 5004759 (VCV005004759.1).